The following is an entry in ClinVar:

NM_000260.4(MYO7A):c.3188A>G (p.Asp1063Gly)

Gene: MYO7A (myosin VIIA; plus strand). Cytogenetic location: 11q13.5.
Variant type: single nucleotide variant.
Coding change: c.3188A>G on transcript NM_000260.4 (MANE Select); coding-DNA position 3188, A replaced by G.
Protein change: p.Asp1063Gly; replaces aspartic acid 1063 with glycine.
Molecular consequence: missense variant.
Genome position (GRCh38, 1-based): chr11:77,182,503, A>G. VCF-style: chr11-77182503-A-G. GRCh37 (hg19) VCF-style: chr11-76893548-A-G.
Other names: c.3188A>G, p.Asp1063Gly (NM_001127180.2); c.3155A>G, p.Asp1052Gly (NM_001369365.1); short protein forms D1052G, D1063G.
Identifiers: ClinVar variation 3711191 (VCV003711191.2).
Genomic context (GRCh38, chr11:77,182,503, plus strand): 5'-TCACCATCCTCCGCTTCATGGGGGACCTCCCTGAGCCCAAGTACCACACAGCCATGAGTG[A>G]TGGCAGTGAGAAGATCCCTGTGATGACCAAGATTTATGAGACCCTGGGCAAGAAGACGTA-3'
Protein context (NP_000251.3, residues 1053-1073): PEPKYHTAMS[Asp1063Gly]GSEKIPVMTK

ClinVar aggregate classification (germline): Uncertain significance (1 of 4 stars; one submission).

gnomAD v4.1: 3 of 1,612,070 alleles (0.00019%); highest among the groups gnomAD compares: East Asian, 0.0045%; no homozygotes.

Submission:

Labcorp Genetics (formerly Invitae), Labcorp
Classification: Uncertain significance. Last evaluated: 2024-08-20. Review status: criteria provided, single submitter. Criteria: Invitae Variant Classification Sherloc (09022015). Collection method: clinical testing. Allele origin: germline.
Comment: This sequence change replaces aspartic acid, which is acidic and polar, with glycine, which is neutral and non-polar, at codon 1063 of the MYO7A protein (p.Asp1063Gly). This variant is present in population databases (no rsID available, gnomAD 0.006%). This variant has not been reported in the literature in individuals affected with MYO7A-related conditions. Invitae Evidence Modeling of protein sequence and biophysical properties (such as structural, functional, and spatial information, amino acid conservation, physicochemical variation, residue mobility, and thermodynamic stability) indicates that this missense variant is not expected to disrupt MYO7A protein function with a negative predictive value of 95%. In summary, the available evidence is currently insufficient to determine the role of this variant in disease. Therefore, it has been classified as a Variant of Uncertain Significance.